The following is an entry in ClinVar:

ClinVar aggregate classification (germline): Uncertain significance (1 of 4 stars; one submission).

Submission:

GeneDx
Classification: Uncertain significance. Last evaluated: 2023-06-15. Review status: criteria provided, single submitter. Criteria: GeneDx Variant Classification Process June 2021. Collection method: clinical testing. Allele origin: germline. Affected: yes.
Comment: Not observed at significant frequency in large population cohorts (gnomAD); In silico analysis supports that this missense variant has a deleterious effect on protein structure/function; Has not been previously published as pathogenic or benign to our knowledge

NM_017662.5(TRPM6):c.1725A>T (p.Lys575Asn)

Gene: TRPM6 (transient receptor potential cation channel subfamily M member 6; minus strand). Cytogenetic location: 9q21.13.
Variant type: single nucleotide variant.
Coding change: c.1725A>T on transcript NM_017662.5 (MANE Select); coding-DNA position 1725, A replaced by T.
Protein change: p.Lys575Asn; replaces lysine 575 with asparagine.
Molecular consequence: missense variant.
Genome position (GRCh38, 1-based): chr9:74,803,800, T>A on the plus strand (A>T on the coding strand, the complement: TRPM6 is on the minus strand). VCF-style: chr9-74803800-T-A. GRCh37 (hg19) VCF-style: chr9-77418716-T-A.
Other names: c.1710A>T, p.Lys570Asn (NM_001177310.2, NM_001177311.2); short protein forms K570N, K575N.
Identifiers: ClinVar variation 3360003 (VCV003360003.1).